The following is an entry in ClinVar:

ClinVar aggregate classification (germline): Uncertain significance (1 of 4 stars; one submission).

Conditions:
Early-infantile DEE. Also called: Early infantile epileptic encephalopathy with suppression bursts; Early infantile epileptic encephalopathy; Ohtahara syndrome. Identifiers: Orphanet 1934, MedGen C0393706, MONDO:0800491.

Submission:

Labcorp Genetics (formerly Invitae), Labcorp
Classification: Uncertain significance for Early-infantile DEE. Last evaluated: 2021-12-20. Review status: criteria provided, single submitter. Criteria: Invitae Variant Classification Sherloc (09022015). Collection method: clinical testing. Allele origin: germline.
Comment: In summary, the available evidence is currently insufficient to determine the role of this variant in disease. Therefore, it has been classified as a Variant of Uncertain Significance. This sequence change replaces arginine, which is basic and polar, with threonine, which is neutral and polar, at codon 498 of the SCN1A protein (p.Arg498Thr). Algorithms developed to predict the effect of missense changes on protein structure and function (SIFT, PolyPhen-2, Align-GVGD) all suggest that this variant is likely to be disruptive. This variant has not been reported in the literature in individuals affected with SCN1A-related conditions. This variant is not present in population databases (gnomAD no frequency).

NM_001165963.4(SCN1A):c.1493G>C (p.Arg498Thr)

Gene: SCN1A (sodium voltage-gated channel alpha subunit 1; minus strand). Cytogenetic location: 2q24.3.
Variant type: single nucleotide variant.
Coding change: c.1493G>C on transcript NM_001165963.4 (MANE Select); coding-DNA position 1493, G replaced by C.
Protein change: p.Arg498Thr; replaces arginine 498 with threonine.
Molecular consequence: missense variant. On other transcripts: 5 prime UTR variant (1), non-coding transcript variant (1).
Genome position (GRCh38, 1-based): chr2:166,045,212, C>G on the plus strand (G>C on the coding strand, the complement: SCN1A is on the minus strand). VCF-style: chr2-166045212-C-G. GRCh37 (hg19) VCF-style: chr2-166901722-C-G.
Other names: c.1493G>C, p.Arg498Thr (NM_001165964.3, NM_001202435.3, NM_001353948.2 and 7 more transcripts); c.1490G>C, p.Arg497Thr (NM_001353954.2, NM_001353955.2, NM_001353960.2); c.-933G>C (NM_001353961.2); short protein forms R498T, R497T.
Identifiers: ClinVar variation 1394959 (VCV001394959.7), dbSNP rs1448731908, ClinGen allele CA349069612.